The following is an entry in ClinVar:

ClinVar aggregate classification (germline): Uncertain significance. Review status: criteria provided, multiple submitters, no conflicts (2 of 4 stars). 2 submissions from 2 submitters: Uncertain significance (2). Last evaluated 2025-03-20.

Conditions:
Inborn genetic diseases. Identifiers: MedGen C0950123, MeSH D030342.
Bethlem myopathy 1A. Also called: MYOPATHY, BENIGN CONGENITAL, WITH CONTRACTURES; Bethlem myopathy 1; Bethlem Muscular Dystrophy. Identifiers: Orphanet 610, MedGen CN029274, MONDO:0024530, OMIM 158810.

gnomAD v4.1: 3 of 1,614,160 alleles (0.00019%); highest among the groups gnomAD compares: Admixed American, 0.0033%; no homozygotes.

Submissions (2):

Labcorp Genetics (formerly Invitae), Labcorp
Classification: Uncertain significance for Bethlem myopathy 1A. Last evaluated: 2025-03-20. Review status: criteria provided, single submitter. Criteria: Invitae Variant Classification Sherloc (09022015). Collection method: clinical testing. Allele origin: germline.
Comment: This sequence change replaces cysteine, which is neutral and slightly polar, with glycine, which is neutral and non-polar, at codon 2587 of the COL6A3 protein (p.Cys2587Gly). This variant is present in population databases (rs760040712, gnomAD 0.006%). This variant has not been reported in the literature in individuals affected with COL6A3-related conditions. ClinVar contains an entry for this variant (Variation ID: 3495666). Invitae Evidence Modeling of protein sequence and biophysical properties (such as structural, functional, and spatial information, amino acid conservation, physicochemical variation, residue mobility, and thermodynamic stability) indicates that this missense variant is expected to disrupt COL6A3 protein function with a positive predictive value of 80%. In summary, the available evidence is currently insufficient to determine the role of this variant in disease. Therefore, it has been classified as a Variant of Uncertain Significance.

Ambry Genetics
Classification: Uncertain significance for Inborn genetic diseases. Last evaluated: 2024-08-15. Review status: criteria provided, single submitter. Criteria: Ambry Variant Classification Scheme 2023. Collection method: clinical testing. Allele origin: germline.

NM_004369.4(COL6A3):c.7759T>G (p.Cys2587Gly)

Gene: COL6A3 (collagen type VI alpha 3 chain; minus strand). Cytogenetic location: 2q37.3.
Variant type: single nucleotide variant.
Coding change: c.7759T>G on transcript NM_004369.4 (MANE Select); coding-DNA position 7759, T replaced by G.
Protein change: p.Cys2587Gly; replaces cysteine 2587 with glycine.
Molecular consequence: missense variant.
Genome position (GRCh38, 1-based): chr2:237,342,071, A>C on the plus strand (T>G on the coding strand, the complement: COL6A3 is on the minus strand). VCF-style: chr2-237342071-A-C. GRCh37 (hg19) VCF-style: chr2-238250714-A-C.
Other names: c.5938T>G, p.Cys1980Gly (NM_057166.5); c.7141T>G, p.Cys2381Gly (NM_057167.4); short protein forms C1980G, C2381G, C2587G.
Identifiers: ClinVar variation 3495666 (VCV003495666.2).